The following is an entry in ClinVar:

ClinVar aggregate classification (germline): Likely benign. Review status: criteria provided, multiple submitters, no conflicts (2 of 4 stars). 2 submissions from 2 submitters: Likely benign (2). Last evaluated 2026-07-08.

Conditions:
Rhabdoid tumor predisposition syndrome 2 (RTPS2). Identifiers: Orphanet 231108, Orphanet 69077, MedGen C2750074, MONDO:0013224, OMIM 613325.

Allele frequency attached by ClinVar (database versions not stated): gnomAD exomes below 0.00001; TOPMed below 0.00001.
gnomAD v4.1: 1 of 1,613,614 alleles (0.000062%); highest among the groups gnomAD compares: Non-Finnish European, 0.000085%; no homozygotes.

Submissions (2):

Myriad Genetics, Inc.
Classification: Likely benign for Rhabdoid tumor predisposition syndrome 2. Last evaluated: 2026-07-08. Review status: criteria provided, single submitter. Criteria: Myriad Autosomal Dominant, Autosomal Recessive and X-Linked Classification Criteria (2023). Collection method: clinical testing. Allele origin: unknown.
Comment: This variant is considered likely benign. This variant is intronic and is not expected to impact mRNA splicing.

Labcorp Genetics (formerly Invitae), Labcorp
Classification: Likely benign for Rhabdoid tumor predisposition syndrome 2. Last evaluated: 2025-10-13. Review status: criteria provided, single submitter. Criteria: Invitae Variant Classification Sherloc (09022015). Collection method: clinical testing. Allele origin: germline.

NM_003072.5(SMARCA4):c.4534-6C>T

Gene: SMARCA4 (SWI/SNF related BAF chromatin remodeling complex subunit ATPase 4; plus strand). Cytogenetic location: 19p13.2.
Variant type: single nucleotide variant.
Coding change: c.4534-6C>T on transcript NM_003072.5 (MANE Select); 6 bases into the intron before coding-DNA position 4534, C replaced by T.
Molecular consequence: intron variant.
Genome position (GRCh38, 1-based): chr19:11,058,782, C>T. VCF-style: chr19-11058782-C-T. GRCh37 (hg19) VCF-style: chr19-11169458-C-T.
Other names: c.4534-6C>T (NM_001128844.3); c.4630-6C>T (NM_001128849.3, NM_001387283.1); c.4435-6C>T (NM_001128847.4, NM_001374457.1); c.4444-6C>T (NM_001128845.2); c.4441-6C>T (NM_001128846.2); c.4432-6C>T (NM_001128848.2).
Identifiers: ClinVar variation 470410 (VCV000470410.9), dbSNP rs1555795315, ClinGen allele CA658658773.
Genomic context (GRCh38, chr19:11,058,782, plus strand): 5'-CAGCCAGGCCTGCGGGCAGGCGAGGCGGGGTCCTGAGGTAAGACCTGCTCCTCCCGTCCA[C>T]TGCAGGAGCGCATTCGCAACCACAAGTACCGCAGCCTCAACGACCTAGAGAAGGACGTCA-3'